The following is an entry in ClinVar:

NM_001378454.1(ALMS1):c.5440G>T (p.Val1814Phe)

Gene: ALMS1 (ALMS1 centrosome and basal body associated protein; plus strand). Cytogenetic location: 2p13.1.
Variant type: single nucleotide variant.
Coding change: c.5440G>T on transcript NM_001378454.1 (MANE Select); coding-DNA position 5440, G replaced by T.
Protein change: p.Val1814Phe; replaces valine 1814 with phenylalanine.
Molecular consequence: missense variant.
Genome position (GRCh38, 1-based): chr2:73,451,967, G>T. VCF-style: chr2-73451967-G-T. GRCh37 (hg19) VCF-style: chr2-73679094-G-T.
Other names: c.5443G>T, p.Val1815Phe (NM_015120.4); short protein forms V1815F, V1814F.
Identifiers: ClinVar variation 2064396 (VCV002064396.3), dbSNP rs1172172040, ClinGen allele CA347282131.
Genomic context (GRCh38, chr2:73,451,967, plus strand): 5'-CAGAAGACTGGGGTATCAACAGTAACCTCTACTTCCTACTCACACAGAGAGAAGCCCATT[G>T]TTTCCTACCAGCGAGAGTTGCCGCATTTTACTGAAGCAGGTTTGAAAATTTTAAGAGTTC-3'
Protein context (NP_001365383.1, residues 1804-1824): TSYSHREKPI[Val1814Phe]SYQRELPHFT

ClinVar aggregate classification (germline): Uncertain significance. Review status: criteria provided, multiple submitters, no conflicts (2 of 4 stars). 3 submissions from 3 submitters: Uncertain significance (3). Last evaluated 2024-03-05.

Conditions:
Cardiovascular phenotype. Identifiers: MedGen CN230736.
Alstrom syndrome (ALMS). Identifiers: Orphanet 64, MedGen C0268425, MONDO:0008763, OMIM 203800.

Allele frequency attached by ClinVar (database versions not stated): TOPMed below 0.00001; gnomAD exomes 0.00005.
gnomAD v4.1: 76 of 1,612,926 alleles (0.0047%); highest among the groups gnomAD compares: Non-Finnish European, 0.0064%; no homozygotes.

Submissions (3):

Ambry Genetics
Classification: Uncertain significance for Cardiovascular phenotype. Last evaluated: 2024-03-05. Review status: criteria provided, single submitter. Criteria: Ambry Variant Classification Scheme 2023. Collection method: clinical testing. Allele origin: germline.
Comment: The p.V1815F variant (also known as c.5443G>T), located in coding exon 8 of the ALMS1 gene, results from a G to T substitution at nucleotide position 5443. The valine at codon 1815 is replaced by phenylalanine, an amino acid with highly similar properties. This amino acid position is poorly conserved in available vertebrate species. In addition, this alteration is predicted to be tolerated by in silico analysis. Based on the available evidence, the clinical significance of this alteration remains unclear.

Women's Health and Genetics/Laboratory Corporation of America, LabCorp
Classification: Uncertain significance. Last evaluated: 2023-05-18. Review status: criteria provided, single submitter. Criteria: LabCorp Variant Classification Summary - May 2015. Collection method: clinical testing. Allele origin: germline.
Comment: Variant summary: ALMS1 c.5437G>T (p.Val1813Phe) results in a non-conservative amino acid change in the encoded protein sequence. Three of four in-silico tools predict a benign effect of the variant on protein function. The variant allele was found at a frequency of 4e-06 in 249074 control chromosomes. The available data on variant occurrences in the general population are insufficient to allow any conclusion about variant significance. To our knowledge, no occurrence of c.5437G>T in individuals affected with Alstrom Syndrome With Dilated Cardiomyopathy and no experimental evidence demonstrating its impact on protein function have been reported. One clinical diagnostic laboratory has submitted clinical-significance assessments for this variant to ClinVar after 2014 and classified the variant as uncertain significance. Based on the evidence outlined above, the variant was classified as uncertain significance.

Labcorp Genetics (formerly Invitae), Labcorp
Classification: Uncertain significance for Alstrom syndrome. Last evaluated: 2022-09-20. Review status: criteria provided, single submitter. Criteria: Invitae Variant Classification Sherloc (09022015). Collection method: clinical testing. Allele origin: germline.
Comment: This sequence change replaces valine, which is neutral and non-polar, with phenylalanine, which is neutral and non-polar, at codon 1815 of the ALMS1 protein (p.Val1815Phe). The frequency data for this variant in the population databases is considered unreliable, as metrics indicate poor data quality at this position in the gnomAD database. This variant has not been reported in the literature in individuals affected with ALMS1-related conditions. Experimental studies and prediction algorithms are not available or were not evaluated, and the functional significance of this variant is currently unknown. In summary, the available evidence is currently insufficient to determine the role of this variant in disease. Therefore, it has been classified as a Variant of Uncertain Significance.